The following is an entry in ClinVar:

ClinVar aggregate classification (germline): Uncertain significance (1 of 4 stars; one submission).

Submission:

Labcorp Genetics (formerly Invitae), Labcorp
Classification: Uncertain significance. Last evaluated: 2022-01-11. Review status: criteria provided, single submitter. Criteria: Invitae Variant Classification Sherloc (09022015). Collection method: clinical testing. Allele origin: germline.
Comment: This sequence change replaces alanine, which is neutral and non-polar, with aspartic acid, which is acidic and polar, at codon 18 of the MRPL44 protein (p.Ala18Asp). This variant is not present in population databases (gnomAD no frequency). This variant has not been reported in the literature in individuals affected with MRPL44-related conditions. Algorithms developed to predict the effect of missense changes on protein structure and function (SIFT, PolyPhen-2, Align-GVGD) all suggest that this variant is likely to be tolerated. In summary, the available evidence is currently insufficient to determine the role of this variant in disease. Therefore, it has been classified as a Variant of Uncertain Significance.

NM_022915.5(MRPL44):c.53C>A (p.Ala18Asp)

Genes: MRPL44 (mitochondrial ribosomal protein L44; plus strand), LOC129935704 (ATAC-STARR-seq lymphoblastoid active region 17184; plus strand). Cytogenetic location: 2q36.1.
Variant type: single nucleotide variant.
Coding change: c.53C>A on transcript NM_022915.5 (MANE Select); coding-DNA position 53, C replaced by A.
Protein change: p.Ala18Asp; replaces alanine 18 with aspartic acid.
Molecular consequence: missense variant.
Genome position (GRCh38, 1-based): chr2:223,957,525, C>A. VCF-style: chr2-223957525-C-A. GRCh37 (hg19) VCF-style: chr2-224822242-C-A.
Other names: short protein forms A18D.
Identifiers: ClinVar variation 2079032 (VCV002079032.4), dbSNP rs1276219293, ClinGen allele CA350805066.